The following is an entry in ClinVar:

NM_032802.4(SPPL2A):c.1193T>A (p.Met398Lys)

Gene: SPPL2A (signal peptide peptidase like 2A; minus strand). Cytogenetic location: 15q21.2.
Variant type: single nucleotide variant.
Coding change: c.1193T>A on transcript NM_032802.4 (MANE Select); coding-DNA position 1193, T replaced by A.
Protein change: p.Met398Lys; replaces methionine 398 with lysine.
Molecular consequence: missense variant.
Genome position (GRCh38, 1-based): chr15:50,725,277, A>T on the plus strand (T>A on the coding strand, the complement: SPPL2A is on the minus strand). VCF-style: chr15-50725277-A-T. GRCh37 (hg19) VCF-style: chr15-51017474-A-T.
Other names: c.1247T>A, p.Met416Lys (NM_001438111.1); c.1193T>A, p.Met398Lys (NM_001438112.1); short protein forms M398K, M416K.
Identifiers: ClinVar variation 4729771 (VCV004729771.1).

ClinVar aggregate classification (germline): Uncertain significance (1 of 4 stars; one submission).

Submission:

Labcorp Genetics (formerly Invitae), Labcorp
Classification: Uncertain significance. Last evaluated: 2025-10-28. Review status: criteria provided, single submitter. Criteria: Invitae Variant Classification Sherloc (09022015). Collection method: clinical testing. Allele origin: germline.
Comment: This sequence change replaces methionine, which is neutral and non-polar, with lysine, which is basic and polar, at codon 398 of the SPPL2A protein (p.Met398Lys). This variant is not present in population databases (gnomAD no frequency). This variant has not been reported in the literature in individuals affected with SPPL2A-related conditions. An algorithm developed to predict the effect of missense changes on protein structure and function (PolyPhen-2) suggests that this variant is likely to be tolerated. In summary, the available evidence is currently insufficient to determine the role of this variant in disease. Therefore, it has been classified as a Variant of Uncertain Significance.